The following is an entry in ClinVar:

ClinVar aggregate classification (germline): Uncertain significance (1 of 4 stars; one submission).

Conditions:
Hereditary cancer-predisposing syndrome. Also called: Neoplastic Syndromes, Hereditary; Tumor predisposition; Hereditary Cancer Syndrome; Hereditary neoplastic syndrome. Identifiers: Orphanet 140162, MedGen C0027672, MeSH D009386, MONDO:0015356.

Submission:

Ambry Genetics
Classification: Uncertain significance for Hereditary cancer-predisposing syndrome. Last evaluated: 2026-05-01. Review status: criteria provided, single submitter. Criteria: Ambry Variant Classification Scheme 2023. Collection method: clinical testing. Allele origin: germline.
Comment: The c.2559_2564delCGACCG variant (also known as p.R855_D856del) is located in coding exon 19 of the POLD1 gene. This variant results from an in-frame CGACCG deletion at nucleotide positions 2559 to 2564. This results in the in-frame deletion of 2 amino acid residues (RD) at codons 855 to 856. However, this in-frame deletion includes the last base pair of coding exon 19, which makes it likely to have some effect on normal mRNA splicing. This last nucleotide position is highly conserved in available vertebrate species. In silico splice site analysis predicts that this alteration will weaken the native splice donor site and will result in the creation or strengthening of a novel splice donor site. Variants that disrupt the canonical splice site are expected to cause aberrant splicing, resulting in an abnormal protein or a transcript that is subject to nonsense-mediated mRNA decay. However, loss of function has not been established as a mechanism of disease. The deleted amino acid positions are well conserved in available vertebrate species. In addition, this variant is predicted to be deleterious by in silico analysis (Choi Y et al. PLoS ONE. 2012; 7(10):e46688). Based on the available evidence, the clinical significance of this variant remains unclear.

NM_002691.4(POLD1):c.2559_2564del (p.Arg855_Asp856del)

Gene: POLD1 (DNA polymerase delta 1, catalytic subunit; plus strand). Cytogenetic location: 19q13.33.
Variant type: Deletion.
Coding change: c.2559_2564del on transcript NM_002691.4 (MANE Select); coding-DNA positions 2559 to 2564, 6 bases deleted (CGACCG; older notation c.2559_2564delCGACCG).
Protein change: p.Arg855_Asp856del.
Molecular consequence: inframe deletion. On other transcripts: non-coding transcript variant (1).
Genome position (GRCh38, 1-based): chr19:50,414,985-50,414,990, CGACCG deleted. VCF-style (leftmost placement, unchanged base first): chr19-50414984-TCGACCG-T. GRCh37 (hg19) VCF-style: chr19-50918241-TCGACCG-T.
Other names: c.2637_2642del, p.Arg881_Asp882del (NM_001308632.1); c.2487_2492del, p.Arg831_Asp832del (NM_001438210.1, NM_001438211.1); c.2559_2564del, p.Arg855_Asp856del (NM_001438212.1, NM_001438213.1, NM_001256849.1).
Identifiers: ClinVar variation 4862184 (VCV004862184.1).
Genomic context (GRCh38, chr19:50,414,984, plus strand): 5'-GCAGGGACAACTGCCCCCTCGTGGCCAACCTGGTCACTGCCTCACTGCGCCGCCTGCTCA[TCGACCG>T]GTGTGTGGGGCCTCCTCCCTCAGACTCAGGGGGCTGGGCCCCAAACCCCTCCTCCCTCAG-3'